The following is an entry in ClinVar:

ClinVar aggregate classification (germline): Pathogenic (0 of 4 stars; one submission).

Submission:

Quest Diagnostics Nichols Institute San Juan Capistrano
Classification: Pathogenic. Last evaluated: 2021-05-01. Review status: no assertion criteria provided. Collection method: clinical testing. Allele origin: germline.
Comment: This deletion is associated with chromosome 17q21.31 microdeletion syndrome (Koolen-De Vies syndrome; KANSL1-related intellectual disability syndrome) (OMIM #610443). The common clinical features include developmental delay/intellectual disability, hypotonia, friendly demeanor, distinctive facial dysmorphism (tall, broad forehead, long face, up slanting palpebral fissures, epicanthal folds, tubular nose with bulbous nasal tip, and large ears), epilepsy (55%), congenital heart defects (39%), renal and urologic anomalies (37%), and cryptorchidism (71% of males) (Koolen DA, de Vries BBA. KANSL1 related intellectual disability syndrome. 2010 Jan 26 [Updated 2013 Jan 10]. GeneReviews [Internet]. Available from an online resource; Koolen et al., Eur J Hum Genet. 2016 May;24(5):652-9. PMID: 26306646).

GRCh37/hg19 17q21.31(chr17:43703800-44212416)x1

Genes: KANSL1 (KAT8 regulatory NSL complex subunit 1), STH (saitohin), MAPT (microtubule associated protein tau), CRHR1 (corticotropin releasing hormone receptor 1), SPPL2C (signal peptide peptidase like 2C). Cytogenetic location: 17q21.31.
Variant type: copy number loss.
Change: copy number 1 (one copy instead of two) of chr17:43,703,800-44,212,416 (508.6 kb, GRCh37 coordinates, 1-based), cytogenetic band 17q21.31.
Identifiers: ClinVar variation 564449 (VCV000564449.3).